The following is an entry in ClinVar:

ClinVar aggregate classification (germline): Uncertain significance (1 of 4 stars; one submission).

Conditions:
NDUFA9-related disorder. Also called: NDUFA9-related condition.

Allele frequency attached by ClinVar (database versions not stated): gnomAD 0.00005; TOPMed 0.00007; ExAC 0.00012.

Submission:

PreventionGenetics, part of Exact Sciences
Classification: Uncertain significance for NDUFA9-related condition. Last evaluated: 2023-07-03. Review status: criteria provided, single submitter. Criteria: ACMG Guidelines, 2015. Collection method: clinical testing. Allele origin: germline.
Comment: The NDUFA9 c.508C>A variant is predicted to result in the amino acid substitution p.Leu170Met. To our knowledge, this variant has not been reported in the literature. This variant is reported in 0.13% of alleles in individuals of East Asian descent in gnomAD. At this time, the clinical significance of this variant is uncertain due to the absence of conclusive functional and genetic evidence.

NM_005002.5(NDUFA9):c.508C>A (p.Leu170Met)

Gene: NDUFA9 (NADH:ubiquinone oxidoreductase subunit A9; plus strand). Cytogenetic location: 12p13.32.
Variant type: single nucleotide variant.
Coding change: c.508C>A on transcript NM_005002.5 (MANE Select); coding-DNA position 508, C replaced by A.
Protein change: p.Leu170Met; replaces leucine 170 with methionine.
Molecular consequence: missense variant.
Genome position (GRCh38, 1-based): chr12:4,659,133, C>A. VCF-style: chr12-4659133-C-A. GRCh37 (hg19) VCF-style: chr12-4768299-C-A.
Other names: short protein forms L170M.
Identifiers: ClinVar variation 2629555 (VCV002629555.1), dbSNP rs767047775, ClinGen allele CA6398113.